The following is an entry in ClinVar:

ClinVar aggregate classification (germline): Conflicting classifications of pathogenicity. Review status: criteria provided, conflicting classifications (1 of 4 stars). 2 submissions from 2 submitters: Uncertain significance (1); Likely benign (1). Last evaluated 2026-01-24.

Conditions:
Dyskeratosis congenita. Identifiers: Orphanet 1775, MedGen C0265965, MONDO:0015780.
Cerebroretinal microangiopathy with calcifications and cysts 1 (CRMCC1). Identifiers: Orphanet 313838, MedGen C4552029, MONDO:0024564, OMIM 612199.

Allele frequency attached by ClinVar (database versions not stated): gnomAD exomes 0.00002 and 0.00017; TOPMed 0.00008; ExAC 0.00009; gnomAD 0.00009 and 0.00011; 1000 Genomes Project 30x 0.00047; 1000 Genomes Project 0.00060.
gnomAD v4.1: 58 of 1,560,662 alleles (0.0037%); highest among the groups gnomAD compares: East Asian, 0.1%; no homozygotes.

Submissions (2):

Labcorp Genetics (formerly Invitae), Labcorp
Classification: Likely benign for Dyskeratosis congenita. Last evaluated: 2026-01-24. Review status: criteria provided, single submitter. Criteria: Invitae Variant Classification Sherloc (09022015). Collection method: clinical testing. Allele origin: germline.

Daryl Scott Lab, Baylor College of Medicine
Classification: Uncertain significance for Cerebroretinal microangiopathy with calcifications and cysts 1. Last evaluated: 2024-01-01. Review status: criteria provided, single submitter. Criteria: ACMG Guidelines, 2015. Collection method: clinical testing. Allele origin: paternal. Observed: 1 heterozygote.
Comment: no criteria met

NM_025099.6(CTC1):c.1748G>A (p.Ser583Asn)

Gene: CTC1 (CST telomere replication complex component 1; minus strand). Cytogenetic location: 17p13.1.
Variant type: single nucleotide variant.
Coding change: c.1748G>A on transcript NM_025099.6 (MANE Select); coding-DNA position 1748, G replaced by A.
Protein change: p.Ser583Asn; replaces serine 583 with asparagine.
Molecular consequence: missense variant. On other transcripts: non-coding transcript variant (1).
Genome position (GRCh38, 1-based): chr17:8,234,525, C>T on the plus strand (G>A on the coding strand, the complement: CTC1 is on the minus strand). VCF-style: chr17-8234525-C-T. GRCh37 (hg19) VCF-style: chr17-8137843-C-T.
Other names: short protein forms S583N.
Identifiers: ClinVar variation 701777 (VCV000701777.12), dbSNP rs568980956, ClinGen allele CA8372266.